The following is an entry in ClinVar:

ClinVar aggregate classification (germline): Uncertain significance (1 of 4 stars; one submission).

gnomAD v4.1: 5 of 1,198,032 alleles (0.00042%); highest among the groups gnomAD compares: Admixed American, 0.0044%; no homozygotes.

Submission:

Ambry Genetics
Classification: Uncertain significance. Last evaluated: 2025-10-22. Review status: criteria provided, single submitter. Criteria: Ambry Variant Classification Scheme 2023. Collection method: clinical testing. Allele origin: germline.
Comment: The c.1889G>A (p.R630Q) alteration is located in exon 15 (coding exon 15) of the MED14 gene. This alteration results from a G to A substitution at nucleotide position 1889, causing the arginine (R) at amino acid position 630 to be replaced by a glutamine (Q). Based on data from gnomAD, the A allele has an overall frequency of <0.001% (1/182402) total alleles studied. The highest observed frequency was 0.004% (1/27225) of Latino alleles. Based on insufficient or conflicting evidence, the clinical significance of this alteration remains unclear.

NM_004229.4(MED14):c.1889G>A (p.Arg630Gln)

Gene: MED14 (mediator complex subunit 14; minus strand). Cytogenetic location: Xp11.4.
Variant type: single nucleotide variant.
Coding change: c.1889G>A on transcript NM_004229.4 (MANE Select); coding-DNA position 1889, G replaced by A.
Protein change: p.Arg630Gln; replaces arginine 630 with glutamine.
Molecular consequence: missense variant.
Genome position (GRCh38, 1-based): chrX:40,692,274, C>T on the plus strand (G>A on the coding strand, the complement: MED14 is on the minus strand). VCF-style: chrX-40692274-C-T. GRCh37 (hg19) VCF-style: chrX-40551526-C-T.
Other names: short protein forms R630Q.
Identifiers: ClinVar variation 4550793 (VCV004550793.1).
Genomic context (GRCh38, chrX:40,692,274, plus strand): 5'-GTATCACACATAGCGACGAAGTGGGCTAAAACTTTATTGAAGGCACACATTTCTCCTGCT[C>T]GTTTTGTTTTCTTGGATTCTACTGGACATGGATCATCAGACAACTAGAATTTAAGTAAAG-3'
Protein context (NP_004220.2, residues 620-640): PCPVESKKTK[Arg630Gln]AGEMCAFNKV